The following is an entry in ClinVar:

ClinVar aggregate classification (germline): Uncertain significance (1 of 4 stars; one submission).

Conditions:
Hypercholesterolemia, autosomal dominant, 3 (FHCL3). Also called: PCSK9-Related Familial Hypercholesterolemia, Autosomal Dominant; Familial Hypercholesterolemia, Autosomal Dominant, 3; Familial hypercholesterolemia 3. Identifiers: MedGen C1863551, MONDO:0011369, OMIM 603776.

Submission:

Labcorp Genetics (formerly Invitae), Labcorp
Classification: Uncertain significance for Hypercholesterolemia, autosomal dominant, 3. Last evaluated: 2023-12-19. Review status: criteria provided, single submitter. Criteria: Invitae Variant Classification Sherloc (09022015). Collection method: clinical testing. Allele origin: germline.
Comment: This sequence change replaces arginine, which is basic and polar, with serine, which is neutral and polar, at codon 66 of the PCSK9 protein (p.Arg66Ser). This variant is not present in population databases (gnomAD no frequency). This variant has not been reported in the literature in individuals affected with PCSK9-related conditions. Advanced modeling of protein sequence and biophysical properties (such as structural, functional, and spatial information, amino acid conservation, physicochemical variation, residue mobility, and thermodynamic stability) performed at Invitae indicates that this missense variant is not expected to disrupt PCSK9 protein function with a negative predictive value of 80%. In summary, the available evidence is currently insufficient to determine the role of this variant in disease. Therefore, it has been classified as a Variant of Uncertain Significance.

NM_174936.4(PCSK9):c.196C>A (p.Arg66Ser)

Gene: PCSK9 (proprotein convertase subtilisin/kexin type 9; plus strand). Cytogenetic location: 1p32.3.
Variant type: single nucleotide variant.
Coding change: c.196C>A on transcript NM_174936.4 (MANE Select); coding-DNA position 196, C replaced by A.
Protein change: p.Arg66Ser; replaces arginine 66 with serine.
Molecular consequence: missense variant. On other transcripts: 5 prime UTR variant (1), non-coding transcript variant (8).
Genome position (GRCh38, 1-based): chr1:55,040,033, C>A. VCF-style: chr1-55040033-C-A. GRCh37 (hg19) VCF-style: chr1-55505706-C-A.
Other names: c.196C>A, p.Arg66Ser (NM_001407240.1, NM_001407241.1, NM_001407242.1 and 4 more transcripts); c.-539C>A (NM_001407246.1); short protein forms R66S.
Identifiers: ClinVar variation 2844345 (VCV002844345.3), dbSNP rs1437993187, ClinGen allele CA340483234.